The following is an entry in ClinVar:

ClinVar aggregate classification (germline): Uncertain significance (0 of 4 stars; one submission).

Conditions:
SEMA3C-related disorder. Also called: SEMA3C-related condition.

Submission:

PreventionGenetics, part of Exact Sciences
Classification: Uncertain significance for SEMA3C-related condition. Last evaluated: 2024-03-05. Review status: no assertion criteria provided. Collection method: clinical testing. Allele origin: germline.
Comment: The SEMA3C c.492_494delGAG variant is predicted to result in an in-frame deletion (p.Arg165del). To our knowledge, this variant has not been reported in the literature. This variant is reported in 0.0029% of alleles in individuals of Latino descent in gnomAD. At this time, the clinical significance of this variant is uncertain due to the absence of conclusive functional and genetic evidence.

NM_006379.5(SEMA3C):c.435GAG[1] (p.Arg147del)

Gene: SEMA3C (semaphorin 3C; minus strand). Cytogenetic location: 7q21.11.
Variant type: Microsatellite.
Coding change: c.435GAG[1] on transcript NM_006379.5 (MANE Select); one copy of the 3-base unit GAG starting at c.435; the reference has two copies in a row; one copy, 3 bases deleted.
Protein change: p.Arg147del; deletes arginine 147.
Molecular consequence: inframe deletion.
Genome position (GRCh38, 1-based): chr7:80,818,306-80,818,308, CTC deleted on the plus strand (GAG on the coding strand, the reverse complement: SEMA3C is on the minus strand); deleting any 3 consecutive bases within chr7:80,818,306-80,818,312 gives the same sequence; the position shown is the placement nearest the transcript's 3' end. VCF-style (leftmost placement, unchanged base first): chr7-80818305-TCTC-T. GRCh37 (hg19) VCF-style: chr7-80447621-TCTC-T.
Other names: c.489GAG[1], p.Arg165del (NM_001350120.2); c.261GAG[1], p.Arg89del (NM_001350121.2); short protein forms R147del, R165del, R89del.
Identifiers: ClinVar variation 3350269 (VCV003350269.1).
Genomic context (GRCh38, chr7:80,818,305, plus strand): 5'-CAAAAATCCTTGACACTAATATCAAAACTAAGAATGTTAAATAGTTATACTTACCTCTGA[TCTC>T]CTCCCTCTGTTCAAGTAAGTACAGACAGGACTGAAAGCGCCACTCCCACAGACATACAAA-3'